The following is an entry in ClinVar:

ClinVar aggregate classification (germline): Uncertain significance. Review status: criteria provided, multiple submitters, no conflicts (2 of 4 stars). 2 submissions from 2 submitters: Uncertain significance (2). Last evaluated 2025-09-07.

Conditions:
Colorectal cancer, susceptibility to, 12 (CRCS12). Also called: COLORECTAL CANCER, SUSCEPTIBILITY TO, ON CHROMOSOME 12q24. Identifiers: Orphanet 220460, MedGen C3554460, MONDO:0014038, OMIM 615083.
POLE-related polyposis and colorectal cancer syndrome. Identifiers: MedGen CN324030, MONDO:0100287.

Allele frequency attached by ClinVar (database versions not stated): TOPMed below 0.00001.
gnomAD v4.1: 3 of 1,614,104 alleles (0.00019%); highest among the groups gnomAD compares: East Asian, 0.0022%; no homozygotes.

Submissions (2):

Labcorp Genetics (formerly Invitae), Labcorp
Classification: Uncertain significance. Last evaluated: 2025-09-07. Review status: criteria provided, single submitter. Criteria: Invitae Variant Classification Sherloc (09022015). Collection method: clinical testing. Allele origin: germline.
Comment: This sequence change replaces proline, which is neutral and non-polar, with leucine, which is neutral and non-polar, at codon 916 of the POLE protein (p.Pro916Leu). This variant is present in population databases (no rsID available, gnomAD 0.006%). This variant has not been reported in the literature in individuals affected with POLE-related conditions. ClinVar contains an entry for this variant (Variation ID: 835312). Invitae Evidence Modeling of protein sequence and biophysical properties (such as structural, functional, and spatial information, amino acid conservation, physicochemical variation, residue mobility, and thermodynamic stability) indicates that this missense variant is not expected to disrupt POLE protein function with a negative predictive value of 80%. In summary, the available evidence is currently insufficient to determine the role of this variant in disease. Therefore, it has been classified as a Variant of Uncertain Significance.

GeneDx
Classification: Uncertain significance. Last evaluated: 2022-10-31. Review status: criteria provided, single submitter. Criteria: GeneDx Variant Classification Process June 2021. Collection method: clinical testing. Allele origin: germline. Affected: yes.
Comment: Not observed at significant frequency in large population cohorts (gnomAD); In silico analysis supports that this missense variant has a deleterious effect on protein structure/function; Has not been previously published as pathogenic or benign to our knowledge; This variant is associated with the following publications: (PMID: 20951805)

NM_006231.4(POLE):c.2747C>T (p.Pro916Leu)

Gene: POLE (DNA polymerase epsilon, catalytic subunit; minus strand). Cytogenetic location: 12q24.33.
Variant type: single nucleotide variant.
Coding change: c.2747C>T on transcript NM_006231.4 (MANE Select); coding-DNA position 2747, C replaced by T.
Protein change: p.Pro916Leu; replaces proline 916 with leucine.
Molecular consequence: missense variant.
Genome position (GRCh38, 1-based): chr12:132,661,644, G>A on the plus strand (C>T on the coding strand, the complement: POLE is on the minus strand). VCF-style: chr12-132661644-G-A. GRCh37 (hg19) VCF-style: chr12-133238230-G-A.
Other names: c.2747C>T (NM_006231.2); short protein forms P916L.
Identifiers: ClinVar variation 835312 (VCV000835312.9), dbSNP rs766707934, ClinGen allele CA387393931.
Genomic context (GRCh38, chr12:132,661,644, plus strand): 5'-GGCCCATCAACCTCAAAAAAGATGCTGTTCTCTGAGCGGGTGACGTAGGTGAGTGAGGAC[G>A]GCTCAGCCAGCTCCTGGTACTGGTCATTGGTGAAGCCTTCCTGAGAAACAAGAGTGAAGA-3'
Protein context (NP_006222.2, residues 906-926): TNDQYQELAE[Pro916Leu]SSLTYVTRSE